The following is an entry in ClinVar:

NM_000501.4(ELN):c.949+9C>T

Gene: ELN (elastin; plus strand). Cytogenetic location: 7q11.23.
Variant type: single nucleotide variant.
Coding change: c.949+9C>T on transcript NM_000501.4 (MANE Select); 9 bases into the intron after coding-DNA position 949, C replaced by T.
Molecular consequence: intron variant.
Genome position (GRCh38, 1-based): chr7:74,051,992, C>T. VCF-style: chr7-74051992-C-T. GRCh37 (hg19) VCF-style: chr7-73466322-C-T.
Other names: c.964+9C>T (NM_001081754.3, NM_001081753.3); c.949+9C>T (NM_001278939.2, NM_001278915.2, NM_001278912.2 and 2 more transcripts); c.907+9C>T (NM_001278916.2); c.841+9C>T (NM_001278913.2); c.934+9C>T (NM_001278914.2); c.919+9C>T (NM_001278917.2, NM_001081752.3); c.817+9C>T (NM_001278918.2).
Identifiers: ClinVar variation 2097698 (VCV002097698.7), dbSNP rs534554036, ClinGen allele CA4292772.
Genomic context (GRCh38, chr7:74,051,992, plus strand): 5'-ACTCCAGCTGCAGCTGCAGCTGCAGCAGCAGCCGCTAAGGCAGCCAAGTATGGTGAGTGC[C>T]TCCCGGGGTGGCAAGTCCACGGCTCGGGCCCCTGCATAGACCTCGGAGACCCTAGCCGCA-3'

ClinVar aggregate classification (germline): Likely benign. Review status: criteria provided, multiple submitters, no conflicts (2 of 4 stars). 3 submissions from 3 submitters: Likely benign (2). 1 of the submissions does not count toward it. Last evaluated 2025-12-15.

Conditions:
ELN-related disorder.
Supravalvar aortic stenosis (SVAS). Also called: Supravalvar aortic stenosis, Eisenberg type. Identifiers: Orphanet 3193, MedGen C0003499, MONDO:0008504, OMIM 185500, HP:0004381.

Allele frequency attached by ClinVar (database versions not stated): ExAC 0.00001; gnomAD exomes 0.00001; TOPMed 0.00005; gnomAD 0.00007; 1000 Genomes Project 0.00020.
gnomAD v4.1: 37 of 1,612,814 alleles (0.0023%); highest among the groups gnomAD compares: African/African-American, 0.033%; no homozygotes.

Submissions (3):

Labcorp Genetics (formerly Invitae), Labcorp
Classification: Likely benign for Supravalvar aortic stenosis. Last evaluated: 2025-12-15. Review status: criteria provided, single submitter. Criteria: Invitae Variant Classification Sherloc (09022015). Collection method: clinical testing. Allele origin: germline.

Blueprint Genetics
Classification: Likely benign. Last evaluated: 2024-06-27. Review status: criteria provided, single submitter. Criteria: ACMG Guidelines, 2015. Collection method: clinical testing. Allele origin: germline.

PreventionGenetics, part of Exact Sciences
Classification: Likely benign for ELN-related condition. Last evaluated: 2019-02-19. Review status: no assertion criteria provided. Collection method: clinical testing. Allele origin: germline. Not counted in ClinVar's aggregate classification.
Comment: This variant is classified as likely benign based on ACMG/AMP sequence variant interpretation guidelines (Richards et al. 2015 PMID: 25741868, with internal and published modifications).